The following is an entry in ClinVar:

NM_005885.4(MARCHF6):c.1585C>T (p.Leu529=)

Gene: MARCHF6 (membrane associated ring-CH-type finger 6; plus strand). Cytogenetic location: 5p15.2.
Variant type: single nucleotide variant.
Coding change: c.1585C>T on transcript NM_005885.4 (MANE Select); coding-DNA position 1585, C replaced by T.
Protein change: p.Leu529=; no amino-acid change (leucine 529 retained).
Molecular consequence: synonymous variant.
Genome position (GRCh38, 1-based): chr5:10,410,170, C>T. VCF-style: chr5-10410170-C-T. GRCh37 (hg19) VCF-style: chr5-10410282-C-T.
Other names: c.1441C>T, p.Leu481= (NM_001270660.2); c.1270C>T, p.Leu424= (NM_001270661.2).
Identifiers: ClinVar variation 3771496 (VCV003771496.13).

ClinVar aggregate classification (germline): Uncertain significance (1 of 4 stars; one submission).

Submission:

CeGaT Center for Human Genetics Tuebingen
Classification: Uncertain significance. Last evaluated: 2025-01-01. Review status: criteria provided, single submitter. Criteria: CeGaT Center For Human Genetics Tuebingen Variant Classification Criteria Version 2. Collection method: clinical testing. Allele origin: germline. Affected: yes. Observed: 1 variant allele.
Comment: MARCHF6: PM2:Supporting, BP4